The following is an entry in ClinVar:

ClinVar aggregate classification (germline): Pathogenic (1 of 4 stars; one submission).

Conditions:
Jeune thoracic dystrophy. Also called: Jeune's syndrome; Chondroectodermal dysplasia-like syndrome; Short-rib thoracic dysplasia; Jeune syndrome; Infantile thoracic dystrophy; Thoracic pelvic phalangeal dystrophy. Identifiers: Orphanet 474, MedGen C0265275, MONDO:0018770.

Submission:

Labcorp Genetics (formerly Invitae), Labcorp
Classification: Pathogenic for Jeune thoracic dystrophy. Last evaluated: 2023-03-26. Review status: criteria provided, single submitter. Criteria: Invitae Variant Classification Sherloc (09022015). Collection method: clinical testing. Allele origin: unknown.
Comment: For these reasons, this variant has been classified as Pathogenic. This variant has not been reported in the literature in individuals affected with DYNC2H1-related conditions. This variant is a gross deletion of the genomic region encompassing exon(s) 67 of the DYNC2H1 gene. This deletion is out-of-frame, and is expected to create a premature termination codon and result in an absent or disrupted protein product. Loss-of-function variants in DYNC2H1 are known to be pathogenic (PMID: 23339108, 32753734).

Literature cited by the submitters: PubMed 23339108; PubMed 32753734.

NC_000011.9:g.(?_103123994)_(103124197_?)del

Gene: DYNC2H1 (dynein cytoplasmic 2 heavy chain 1; plus strand). Cytogenetic location: 11q22.3.
Variant type: Deletion.
Identifiers: ClinVar variation 3244563 (VCV003244563.1).